The following is an entry in ClinVar:

ClinVar aggregate classification (germline): Uncertain significance. Review status: criteria provided, multiple submitters, no conflicts (2 of 4 stars). 2 submissions from 2 submitters: Uncertain significance (2). Last evaluated 2026-01-27.

Conditions:
Glycogen storage disease, type V (GSD5). Also called: MCARDLE DISEASE; MUSCLE GLYCOGEN PHOSPHORYLASE DEFICIENCY; MYOPHOSPHORYLASE DEFICIENCY; PYGM DEFICIENCY; McArdle type glycogen storage disease. Identifiers: Orphanet 368, MedGen C0017924, MONDO:0009293, OMIM 232600.

Allele frequency attached by ClinVar (database versions not stated): gnomAD 0.00001; TOPMed 0.00002; ExAC 0.00007; ESP Exome Variant Server 0.00008.
gnomAD v4.1: 33 of 1,613,734 alleles (0.002%); highest among the groups gnomAD compares: Non-Finnish European, 0.0025%; no homozygotes.

Submissions (2):

Labcorp Genetics (formerly Invitae), Labcorp
Classification: Uncertain significance for Glycogen storage disease, type V. Last evaluated: 2026-01-27. Review status: criteria provided, single submitter. Criteria: Invitae Variant Classification Sherloc (09022015). Collection method: clinical testing. Allele origin: germline.
Comment: This sequence change replaces arginine, which is basic and polar, with histidine, which is basic and polar, at codon 320 of the PYGM protein (p.Arg320His). This variant is present in population databases (rs139578482, gnomAD 0.01%). This variant has not been reported in the literature in individuals affected with PYGM-related conditions. ClinVar contains an entry for this variant (Variation ID: 3024970). Invitae Evidence Modeling of protein sequence and biophysical properties (such as structural, functional, and spatial information, amino acid conservation, physicochemical variation, residue mobility, and thermodynamic stability) indicates that this missense variant is not expected to disrupt PYGM protein function with a negative predictive value of 80%. In summary, the available evidence is currently insufficient to determine the role of this variant in disease. Therefore, it has been classified as a Variant of Uncertain Significance.

CeGaT Center for Human Genetics Tuebingen
Classification: Uncertain significance. Last evaluated: 2023-12-01. Review status: criteria provided, single submitter. Criteria: CeGaT Center For Human Genetics Tuebingen Variant Classification Criteria Version 2. Collection method: clinical testing. Allele origin: germline. Affected: yes. Observed: 1 variant allele.
Comment: PYGM: PM2:Supporting

NM_005609.4(PYGM):c.959G>A (p.Arg320His)

Gene: PYGM (glycogen phosphorylase, muscle associated; minus strand). Cytogenetic location: 11q13.1.
Variant type: single nucleotide variant.
Coding change: c.959G>A on transcript NM_005609.4 (MANE Select); coding-DNA position 959, G replaced by A.
Protein change: p.Arg320His; replaces arginine 320 with histidine.
Molecular consequence: missense variant.
Genome position (GRCh38, 1-based): chr11:64,754,733, C>T on the plus strand (G>A on the coding strand, the complement: PYGM is on the minus strand). VCF-style: chr11-64754733-C-T. GRCh37 (hg19) VCF-style: chr11-64522205-C-T.
Other names: c.695G>A, p.Arg232His (NM_001164716.1); short protein forms R232H, R320H.
Identifiers: ClinVar variation 3024970 (VCV003024970.23), dbSNP rs139578482, ClinGen allele CA6080068.